The following is an entry in ClinVar:

NM_001165963.4(SCN1A):c.2011del (p.Glu670_Val671insTer)

Gene: SCN1A (sodium voltage-gated channel alpha subunit 1; minus strand). Cytogenetic location: 2q24.3.
Variant type: Deletion.
Coding change: c.2011del on transcript NM_001165963.4 (MANE Select); coding-DNA position 2011, one base deleted (G; older notation c.2011delG).
Protein change: p.Glu670_Val671insTer.
Molecular consequence: nonsense. On other transcripts: splice donor variant (8), intron variant (4).
Genome position (GRCh38, 1-based): chr2:166,043,701, C deleted on the plus strand (G on the coding strand, the reverse complement: SCN1A is on the minus strand); the first of 2 consecutive C bases (chr2:166,043,701-166,043,702); deleting either gives the same sequence. VCF-style (leftmost placement, unchanged base first): chr2-166043700-AC-A. GRCh37 (hg19) VCF-style: chr2-166900210-AC-A.
Other names: c.2010+1del (NM_006920.6, NM_001353949.2, NM_001353950.2 and 2 more transcripts); c.2011del, p.Glu670_Val671insTer (NM_001202435.3, NM_001353948.2); c.1959+52del (NM_001353958.2, NM_001353957.2, NM_001165964.3); c.2007+1del (NM_001353955.2, NM_001353954.2); c.1956+52del (NM_001353960.2); c.-416+1del (NM_001353961.2).
Identifiers: ClinVar variation 2498839 (VCV002498839.28), dbSNP rs2468150457, ClinGen allele CA2580064299.

ClinVar aggregate classification (germline): Pathogenic (1 of 4 stars; one submission).

Submission:

CeGaT Center for Human Genetics Tuebingen
Classification: Pathogenic. Last evaluated: 2023-03-01. Review status: criteria provided, single submitter. Criteria: CeGaT Center For Human Genetics Tuebingen Variant Classification Criteria Version 2. Collection method: clinical testing. Allele origin: germline. Affected: yes. Observed: 1 variant allele.
Comment: SCN1A: PVS1, PM2